The following is an entry in ClinVar:

NM_020778.5(ALPK3):c.3817+20_3817+24delinsTCCTG

Gene: ALPK3 (alpha kinase 3; plus strand). Cytogenetic location: 15q25.3.
Variant type: Indel.
Coding change: c.3817+20_3817+24delinsTCCTG on transcript NM_020778.5 (MANE Select); bases 20 to 24 of the intron after coding-DNA position 3817, AGGGA replaced by TCCTG.
Molecular consequence: intron variant.
Genome position (GRCh38, 1-based): chr15:84,858,575-84,858,579, AGGGA replaced by TCCTG. VCF-style: chr15-84858575-AGGGA-TCCTG. GRCh37 (hg19) VCF-style: chr15-85401806-AGGGA-TCCTG.
Identifiers: ClinVar variation 4774576 (VCV004774576.1).

ClinVar aggregate classification (germline): Uncertain significance (1 of 4 stars; one submission).

Submission:

Labcorp Genetics (formerly Invitae), Labcorp
Classification: Uncertain significance. Last evaluated: 2025-11-06. Review status: criteria provided, single submitter. Criteria: Invitae Variant Classification Sherloc (09022015). Collection method: clinical testing. Allele origin: germline.
Comment: This sequence change falls in intron 6 of the ALPK3 gene. It does not directly change the encoded amino acid sequence of the ALPK3 protein. Information on the frequency of this variant in the gnomAD database is not available, as this variant may be reported differently in the database. This variant has not been reported in the literature in individuals affected with ALPK3-related conditions. Experimental studies and prediction algorithms are not available or were not evaluated, and the effect of this variant on mRNA splicing is currently unknown. In summary, the available evidence is currently insufficient to determine the role of this variant in disease. Therefore, it has been classified as a Variant of Uncertain Significance.